The following is an entry in ClinVar:

NM_001007553.3(CSDE1):c.2350-6C>A

Gene: CSDE1 (cold shock domain containing E1; minus strand). Cytogenetic location: 1p13.2.
Variant type: single nucleotide variant.
Coding change: c.2350-6C>A on transcript NM_001007553.3 (MANE Select); 6 bases into the intron before coding-DNA position 2350, C replaced by A.
Molecular consequence: intron variant.
Genome position (GRCh38, 1-based): chr1:114,718,222, G>T on the plus strand (C>A on the coding strand, the complement: CSDE1 is on the minus strand). VCF-style: chr1-114718222-G-T. GRCh37 (hg19) VCF-style: chr1-115260843-G-T.
Other names: c.2257-6C>A (NM_001242893.2, NM_007158.6); c.2350-6C>A (NM_001242892.2); c.2395-6C>A (NM_001130523.3); c.2488-6C>A (NM_001242891.2).
Identifiers: ClinVar variation 2307499 (VCV002307499.2), dbSNP rs1334369737, ClinGen allele CA2580060837.

ClinVar aggregate classification (germline): Uncertain significance (1 of 4 stars; one submission).

Conditions:
Inborn genetic diseases. Identifiers: MedGen C0950123, MeSH D030342.

Submission:

Ambry Genetics
Classification: Uncertain significance for Inborn genetic diseases. Last evaluated: 2022-09-19. Review status: criteria provided, single submitter. Criteria: Ambry Variant Classification Scheme 2023. Collection method: clinical testing. Allele origin: germline.
Comment: The c.2488-6C>A intronic alteration consists of a C to A substitution 6 nucleotides before coding exon 19 in the CSDE1 gene. Based on insufficient or conflicting evidence, the clinical significance of this alteration remains unclear.